The following is an entry in ClinVar:

NM_015047.3(EMC1):c.2761G>C (p.Gly921Arg)

Genes: EMC1 (ER membrane protein complex subunit 1; minus strand), EMC1-AS1 (EMC1 antisense RNA 1; plus strand). Cytogenetic location: 1p36.13.
Variant type: single nucleotide variant.
Coding change: c.2761G>C on transcript NM_015047.3 (MANE Select); coding-DNA position 2761, G replaced by C.
Protein change: p.Gly921Arg; replaces glycine 921 with arginine.
Molecular consequence: missense variant.
Genome position (GRCh38, 1-based): chr1:19,219,610, C>G on the plus strand (G>C on the coding strand, the complement: EMC1 is on the minus strand). VCF-style: chr1-19219610-C-G. GRCh37 (hg19) VCF-style: chr1-19546104-C-G.
Other names: c.2758G>C, p.Gly920Arg (NM_001271427.2, NM_001271428.2); c.2695G>C, p.Gly899Arg (NM_001271429.2); c.2770G>C, p.Gly924Arg (NM_001375820.1); c.2767G>C, p.Gly923Arg (NM_001375821.1); short protein forms G921R, G899R, G923R, G920R, G924R.
Identifiers: ClinVar variation 5007932 (VCV005007932.1).

ClinVar aggregate classification (germline): Uncertain significance (1 of 4 stars; one submission).

Submission:

GeneDx
Classification: Uncertain significance. Last evaluated: 2026-02-24. Review status: criteria provided, single submitter. Criteria: GeneDx Variant Classification Process June 2021. Collection method: clinical testing. Allele origin: germline.
Comment: Not observed at significant frequency in large population cohorts (gnomAD); In silico analysis supports that this missense variant has a deleterious effect on protein structure/function; Has not been previously published as pathogenic or benign to our knowledge